The following is an entry in ClinVar:

NM_015909.4(NBAS):c.598G>T (p.Glu200Ter)

Gene: NBAS (NBAS subunit of NRZ tethering complex; minus strand). Cytogenetic location: 2p24.3.
Variant type: single nucleotide variant.
Coding change: c.598G>T on transcript NM_015909.4 (MANE Select); coding-DNA position 598, G replaced by T.
Protein change: p.Glu200Ter; replaces glutamic acid 200 with a stop codon.
Molecular consequence: nonsense. On other transcripts: non-coding transcript variant (1).
Genome position (GRCh38, 1-based): chr2:15,536,467, C>A on the plus strand (G>T on the coding strand, the complement: NBAS is on the minus strand). VCF-style: chr2-15536467-C-A. GRCh37 (hg19) VCF-style: chr2-15676591-C-A.
Other names: short protein forms E200*.
Identifiers: ClinVar variation 4780238 (VCV004780238.1).

ClinVar aggregate classification (germline): Pathogenic (1 of 4 stars; one submission).

gnomAD v4.1: 7 of 1,613,460 alleles (0.00043%); highest among the groups gnomAD compares: Non-Finnish European, 0.00059%; no homozygotes.

Submission:

Labcorp Genetics (formerly Invitae), Labcorp
Classification: Pathogenic. Last evaluated: 2025-09-07. Review status: criteria provided, single submitter. Criteria: Invitae Variant Classification Sherloc (09022015). Collection method: clinical testing. Allele origin: germline.
Comment: This sequence change creates a premature translational stop signal (p.Glu200*) in the NBAS gene. It is expected to result in an absent or disrupted protein product. Loss-of-function variants in NBAS are known to be pathogenic (PMID: 26073778, 26541327, 27789416, 28031453). This variant is not present in population databases (gnomAD no frequency). This variant has not been reported in the literature in individuals affected with NBAS-related conditions. Algorithms developed to predict the effect of sequence changes on RNA splicing suggest that this variant may disrupt the consensus splice site. For these reasons, this variant has been classified as Pathogenic.

Literature cited by the submitters: PubMed 26073778; PubMed 26541327; PubMed 27789416; PubMed 28031453.